The following is an entry in ClinVar:

NM_024537.4(CARS2):c.155T>G (p.Val52Gly)

Genes: CARS2 (cysteinyl-tRNA synthetase 2, mitochondrial; minus strand), LOC130010127 (ATAC-STARR-seq lymphoblastoid silent region 5509; plus strand). Cytogenetic location: 13q34.
Variant type: single nucleotide variant.
Coding change: c.155T>G on transcript NM_024537.4 (MANE Select); coding-DNA position 155, T replaced by G.
Protein change: p.Val52Gly; replaces valine 52 with glycine.
Molecular consequence: missense variant. On other transcripts: non-coding transcript variant (1), intron variant (1).
Genome position (GRCh38, 1-based): chr13:110,705,939, A>C on the plus strand (T>G on the coding strand, the complement: CARS2 is on the minus strand). VCF-style: chr13-110705939-A-C. GRCh37 (hg19) VCF-style: chr13-111358286-A-C.
Other names: c.155T>G, p.Val52Gly (NM_001352253.3); c.-775-368T>G (NM_001352252.2); short protein forms V52G.
Identifiers: ClinVar variation 580177 (VCV000580177.2), dbSNP rs1566366322, ClinGen allele CA388743214.

ClinVar aggregate classification (germline): Uncertain significance. Review status: criteria provided, single submitter (1 of 4 stars). 2 submissions from 2 submitters: Uncertain significance (1). 1 of the submissions does not count toward it. Last evaluated 2018-05-02.

Conditions:
Combined oxidative phosphorylation defect type 27. Also called: Combined oxidative phosphorylation deficiency 27. Identifiers: Orphanet 477774, MedGen C5567608, MONDO:0014728, OMIM 616672.

Allele frequency attached by ClinVar (database versions not stated): TOPMed below 0.00001; gnomAD exomes 0.00002.
gnomAD v4.1: 33 of 1,566,840 alleles (0.0021%); highest among the groups gnomAD compares: Non-Finnish European, 0.0028%; no homozygotes.

Submissions (2):

Labcorp Genetics (formerly Invitae), Labcorp
Classification: Uncertain significance for Combined oxidative phosphorylation deficiency 27. Last evaluated: 2018-05-02. Review status: criteria provided, single submitter. Criteria: Invitae Variant Classification Sherloc (09022015). Collection method: clinical testing. Allele origin: germline.
Comment: This sequence change replaces valine with glycine at codon 52 of the CARS2 protein (p.Val52Gly). The valine residue is weakly conserved and there is a moderate physicochemical difference between valine and glycine. While this variant is not present in population databases, the frequency information is unreliable, as metrics indicate poor data quality at this position in the ExAC database. This variant has not been reported in the literature in individuals with CARS2-related disease. Algorithms developed to predict the effect of missense changes on protein structure and function do not agree on the potential impact of this missense change (SIFT: "Deleterious"; PolyPhen-2: "Possibly Damaging"; Align-GVGD: "Class C0"). In summary, the available evidence is currently insufficient to determine the role of this variant in disease. Therefore, it has been classified as a Variant of Uncertain Significance.

OMIM
Classification: Pathogenic for COMBINED OXIDATIVE PHOSPHORYLATION DEFICIENCY 27. Last evaluated: 2022-03-17. Review status: no assertion criteria provided. Collection method: literature only. Allele origin: germline. Not counted in ClinVar's aggregate classification.

Literature cited by the submitters: PubMed 30139652 (cited by OMIM).